The following is an entry in ClinVar:

ClinVar aggregate classification (germline): Uncertain significance (1 of 4 stars; one submission).

Conditions:
Baller-Gerold syndrome (BGS). Also called: CRANIOSYNOSTOSIS WITH RADIAL DEFECTS. Identifiers: Orphanet 1225, MedGen C0265308, MONDO:0009039, OMIM 218600.

Submission:

Labcorp Genetics (formerly Invitae), Labcorp
Classification: Uncertain significance for Baller-Gerold syndrome. Last evaluated: 2024-05-01. Review status: criteria provided, single submitter. Criteria: Invitae Variant Classification Sherloc (09022015). Collection method: clinical testing. Allele origin: germline.
Comment: This sequence change falls in intron 4 of the RECQL4 gene. It does not directly change the encoded amino acid sequence of the RECQL4 protein. Information on the frequency of this variant in the gnomAD database is not available, as this variant may be reported differently in the database. This variant has not been reported in the literature in individuals affected with RECQL4-related conditions. Experimental studies and prediction algorithms are not available or were not evaluated, and the effect of this variant on mRNA splicing is currently unknown. In summary, the available evidence is currently insufficient to determine the role of this variant in disease. Therefore, it has been classified as a Variant of Uncertain Significance.

NM_004260.4(RECQL4):c.354+12_354+14delinsTAG

Gene: RECQL4 (RecQ like helicase 4; minus strand). Cytogenetic location: 8q24.3.
Variant type: Indel.
Coding change: c.354+12_354+14delinsTAG on transcript NM_004260.4 (MANE Select); bases 12 to 14 of the intron after coding-DNA position 354, GCA replaced by TAG.
Molecular consequence: intron variant.
Genome position (GRCh38, 1-based): chr8:144,517,036-144,517,038, TGC replaced by CTA on the plus strand (GCA replaced by TAG on the coding strand, the reverse complement: RECQL4 is on the minus strand). VCF-style: chr8-144517036-TGC-CTA. GRCh37 (hg19) VCF-style: chr8-145742420-TGC-CTA.
Other names: c.354+12_354+14delinsTAG (NM_001413036.1, NM_001413019.1, NM_001413029.1 and 5 more transcripts); c.-718+12_-718+14delinsTAG (NM_001413040.1, NM_001413042.1, NM_001413037.1 and 3 more transcripts); c.-367+12_-367+14delinsTAG (NM_001413021.1); c.-615+12_-615+14delinsTAG (NM_001413024.1, NM_001413035.1); c.-443+12_-443+14delinsTAG (NM_001413028.1); c.-622+12_-622+14delinsTAG (NM_001413034.1); c.-987+12_-987+14delinsTAG (NM_001413043.1); c.-780+12_-780+14delinsTAG (NM_001413031.1, NM_001413030.1, NM_001413041.1 and 1 more transcripts); and 2 more.
Identifiers: ClinVar variation 3651768 (VCV003651768.2).